The following is an entry in ClinVar:

ClinVar aggregate classification (germline): Uncertain significance (1 of 4 stars; one submission).

Conditions:
Amyotrophic lateral sclerosis type 21. Also called: VOCAL CORD AND PHARYNGEAL DYSFUNCTION WITH DISTAL MYOPATHY; MYOPATHY, DISTAL, 2. Identifiers: Orphanet 600, Orphanet 803, MedGen C3807521, MONDO:0011632, OMIM 606070.

gnomAD v4.1: 3 of 1,613,770 alleles (0.00019%); highest among the groups gnomAD compares: Admixed American, 0.005%; no homozygotes.

Submission:

Labcorp Genetics (formerly Invitae), Labcorp
Classification: Uncertain significance for Amyotrophic lateral sclerosis type 21. Last evaluated: 2024-04-26. Review status: criteria provided, single submitter. Criteria: Invitae Variant Classification Sherloc (09022015). Collection method: clinical testing. Allele origin: germline.
Comment: This sequence change replaces serine, which is neutral and polar, with asparagine, which is neutral and polar, at codon 307 of the MATR3 protein (p.Ser307Asn). This variant is present in population databases (no rsID available, gnomAD 0.009%). This variant has not been reported in the literature in individuals affected with MATR3-related conditions. Advanced modeling of protein sequence and biophysical properties (such as structural, functional, and spatial information, amino acid conservation, physicochemical variation, residue mobility, and thermodynamic stability) performed at Invitae indicates that this missense variant is not expected to disrupt MATR3 protein function with a negative predictive value of 80%. In summary, the available evidence is currently insufficient to determine the role of this variant in disease. Therefore, it has been classified as a Variant of Uncertain Significance.

NM_018834.6(MATR3):c.920G>A (p.Ser307Asn)

Gene: MATR3 (matrin 3; plus strand). Cytogenetic location: 5q31.2.
Variant type: single nucleotide variant.
Coding change: c.920G>A on transcript NM_018834.6 (MANE Select); coding-DNA position 920, G replaced by A.
Protein change: p.Ser307Asn; replaces serine 307 with asparagine.
Molecular consequence: missense variant. On other transcripts: 5 prime UTR variant (6), intron variant (2).
Genome position (GRCh38, 1-based): chr5:139,314,682, G>A. VCF-style: chr5-139314682-G-A. GRCh37 (hg19) VCF-style: chr5-138650371-G-A.
Other names: c.920G>A, p.Ser307Asn (NM_001400452.1, NM_001400453.1, NM_001400454.1 and 16 more transcripts); c.59G>A, p.Ser20Asn (NM_001400459.1); c.-95G>A (NM_001400460.1, NM_001400463.1, NM_001400464.1 and 3 more transcripts); c.20G>A, p.Ser7Asn (NM_001400461.1); c.-40-1015G>A (NM_001400462.1, NM_001400467.1); c.56G>A, p.Ser19Asn (NM_001194956.2); short protein forms S20N, S7N, S19N, S307N.
Identifiers: ClinVar variation 3669871 (VCV003669871.2).